The following is an entry in ClinVar:

ClinVar aggregate classification (germline): Pathogenic (1 of 4 stars; one submission).

Conditions:
X-linked Emery-Dreifuss muscular dystrophy. Also called: Muscular dystrophy, tardive Emery-Dreifuss type, with contractures. Identifiers: Orphanet 261, Orphanet 98863, MedGen C0751337, MONDO:0010680.

Submission:

Labcorp Genetics (formerly Invitae), Labcorp
Classification: Pathogenic for X-linked Emery-Dreifuss muscular dystrophy. Last evaluated: 2024-04-10. Review status: criteria provided, single submitter. Criteria: Invitae Variant Classification Sherloc (09022015). Collection method: clinical testing. Allele origin: germline.
Comment: This sequence change affects a donor splice site in intron 2 of the EMD gene. It is expected to disrupt RNA splicing. Variants that disrupt the donor or acceptor splice site typically lead to a loss of protein function (PMID: 16199547), and loss-of-function variants in EMD are known to be pathogenic (PMID: 24365856). This variant is not present in population databases (gnomAD no frequency). Disruption of this splice site has been observed in individuals with X-linked Emery-Dreifuss muscular dystrophy (PMID: 10382909, 26247046). It has also been observed to segregate with disease in related individuals. Algorithms developed to predict the effect of sequence changes on RNA splicing suggest that this variant may disrupt the consensus splice site. For these reasons, this variant has been classified as Pathogenic.

Literature cited by the submitters: PubMed 16199547; PubMed 24365856; PubMed 10382909; PubMed 26247046.

NM_000117.3(EMD):c.187+2T>G

Gene: EMD (emerin; plus strand). Cytogenetic location: Xq28.
Variant type: single nucleotide variant.
Coding change: c.187+2T>G on transcript NM_000117.3 (MANE Select); the canonical splice donor site of the intron after coding-DNA position 187, T replaced by G.
Molecular consequence: splice donor variant.
Genome position (GRCh38, 1-based): chrX:154,379,796, T>G. VCF-style: chrX-154379796-T-G. GRCh37 (hg19) VCF-style: chrX-153608156-T-G.
Identifiers: ClinVar variation 2823847 (VCV002823847.3), dbSNP rs2522787812, ClinGen allele CA415257576.